The following is an entry in ClinVar:

NM_000054.7(AVPR2):c.887G>T (p.Trp296Leu)

Gene: AVPR2 (arginine vasopressin receptor 2; plus strand). Cytogenetic location: Xq28.
Variant type: single nucleotide variant.
Coding change: c.887G>T on transcript NM_000054.7 (MANE Select); coding-DNA position 887, G replaced by T.
Protein change: p.Trp296Leu; replaces tryptophan 296 with leucine.
Molecular consequence: missense variant. On other transcripts: non-coding transcript variant (1).
Genome position (GRCh38, 1-based): chrX:153,906,393, G>T. VCF-style: chrX-153906393-G-T. GRCh37 (hg19) VCF-style: chrX-153171847-G-T.
Other names: c.887G>T, p.Trp296Leu (NM_001146151.3); short protein forms W296L.
Identifiers: ClinVar variation 2571947 (VCV002571947.1), dbSNP rs2521160372, ClinGen allele CA415109993.

ClinVar aggregate classification (germline): Uncertain significance (1 of 4 stars; one submission).

Submission:

GeneDx
Classification: Uncertain significance. Last evaluated: 2023-01-09. Review status: criteria provided, single submitter. Criteria: GeneDx Variant Classification Process June 2021. Collection method: clinical testing. Allele origin: germline. Affected: yes.
Comment: Not observed at significant frequency in large population cohorts (gnomAD); In silico analysis supports that this missense variant has a deleterious effect on protein structure/function; Has not been previously published as pathogenic or benign to our knowledge